The following is an entry in ClinVar:

ClinVar aggregate classification (germline): Uncertain significance (1 of 4 stars; one submission).

Submission:

Women's Health and Genetics/Laboratory Corporation of America, LabCorp
Classification: Uncertain significance. Last evaluated: 2021-04-25. Review status: criteria provided, single submitter. Criteria: LabCorp Variant Classification Summary - May 2015. Collection method: clinical testing. Allele origin: germline.
Comment: Variant summary: CFTR c.495A>C (p.Leu165Phe) results in a non-conservative amino acid change located in the ABC transporter type 1, transmembrane domain (IPR011527) of the encoded protein sequence. Five of five in-silico tools predict a damaging effect of the variant on protein function. The variant was absent in 249460 control chromosomes. The available data on variant occurrences in the general population are insufficient to allow any conclusion about variant significance. To our knowledge, no occurrence of c.495A>C in individuals affected with Cystic Fibrosis and no experimental evidence demonstrating its impact on protein function have been reported. No clinical diagnostic laboratories have submitted clinical-significance assessments for this variant to ClinVar after 2014. Based on the evidence outlined above, the variant was classified as uncertain significance.

NM_000492.4(CFTR):c.495A>C (p.Leu165Phe)

Gene: CFTR (CF transmembrane conductance regulator; plus strand). Cytogenetic location: 7q31.2.
Variant type: single nucleotide variant.
Coding change: c.495A>C on transcript NM_000492.4 (MANE Select); coding-DNA position 495, A replaced by C.
Protein change: p.Leu165Phe; replaces leucine 165 with phenylalanine.
Molecular consequence: missense variant.
Genome position (GRCh38, 1-based): chr7:117,534,281, A>C. VCF-style: chr7-117534281-A-C. GRCh37 (hg19) VCF-style: chr7-117174335-A-C.
Other names: short protein forms L165F.
Identifiers: ClinVar variation 1098811 (VCV001098811.1), dbSNP rs2116674883, ClinGen allele CA368976322.